The following is an entry in ClinVar:

ClinVar aggregate classification (germline): Pathogenic/Likely pathogenic. Review status: criteria provided, multiple submitters, no conflicts (2 of 4 stars). 3 submissions from 3 submitters: Pathogenic (1); Likely pathogenic (1). 1 of the submissions does not count toward it. Last evaluated 2022-02-22.

Conditions:
Childhood hypophosphatasia. Identifiers: Orphanet 247667, Orphanet 436, MedGen C0220743, MONDO:1010168, OMIM 241510, MONDO:0009428.
PHEX-related disorder. Also called: PHEX-related condition.

Submissions (3):

Labcorp Genetics (formerly Invitae), Labcorp
Classification: Pathogenic. Last evaluated: 2022-02-22. Review status: criteria provided, single submitter. Criteria: Invitae Variant Classification Sherloc (09022015). Collection method: clinical testing. Allele origin: germline.
Comment: For these reasons, this variant has been classified as Pathogenic. This variant disrupts a region of the PHEX protein in which other variant(s) (p.Arg747*) have been determined to be pathogenic (PMID: 9199930, 9768674). This suggests that this is a clinically significant region of the protein, and that variants that disrupt it are likely to be disease-causing. Algorithms developed to predict the effect of sequence changes on RNA splicing suggest that this variant may disrupt the consensus splice site. ClinVar contains an entry for this variant (Variation ID: 1076296). This premature translational stop signal has been observed in individual(s) with hypophosphatemia (Invitae). This variant is not present in population databases (gnomAD no frequency). This sequence change creates a premature translational stop signal (p.Gln728*) in the PHEX gene. While this is not anticipated to result in nonsense mediated decay, it is expected to disrupt the last 22 amino acid(s) of the PHEX protein.

Blueprint Genetics
Classification: Likely pathogenic for PHEX-related disorders. Last evaluated: 2018-01-10. Review status: criteria provided, single submitter. Criteria: ACMG Guidelines, 2015. Collection method: clinical testing. Allele origin: germline. Affected: yes. Observed: 1 variant allele.

Department of Pediatric Endocrinology, Shriners Hospitals for Children - Mexico City
No classification provided. Condition: Childhood hypophosphatasia. Review status: no classification provided. Collection method: phenotyping only. Allele origin: germline. Inheritance: X-linked dominant inheritance. Affected: yes. Observed: 1 variant allele, 1 hemizygote. Not counted in ClinVar's aggregate classification.

Literature cited by the submitters: PubMed 9199930 (cited by Labcorp Genetics (formerly Invitae), Labcorp); PubMed 9768674 (cited by Labcorp Genetics (formerly Invitae), Labcorp).

NM_000444.6(PHEX):c.2182C>T (p.Gln728Ter)

Genes: PHEX (phosphate regulating endopeptidase X-linked; plus strand), PTCHD1-AS (PTCHD1 and PHEX antisense RNA; minus strand). Cytogenetic location: Xp22.11.
Variant type: single nucleotide variant.
Coding change: c.2182C>T on transcript NM_000444.6 (MANE Select); coding-DNA position 2182, C replaced by T.
Protein change: p.Gln728Ter; replaces glutamine 728 with a stop codon.
Molecular consequence: nonsense. On other transcripts: 3 prime UTR variant (1).
Genome position (GRCh38, 1-based): chrX:22,247,885, C>T. VCF-style: chrX-22247885-C-T. GRCh37 (hg19) VCF-style: chrX-22266002-C-T.
Other names: c.*17C>T (NM_001282754.2); short protein forms Q728*.
Identifiers: ClinVar variation 1076296 (VCV001076296.11), dbSNP rs2147217296, ClinGen allele CA412575423.